The following is an entry in ClinVar:

NM_024876.4(COQ8B):c.1468C>T (p.Arg490Cys)

Gene: COQ8B (coenzyme Q8B; minus strand). Cytogenetic location: 19q13.2.
Variant type: single nucleotide variant.
Coding change: c.1468C>T on transcript NM_024876.4 (MANE Select); coding-DNA position 1468, C replaced by T.
Protein change: p.Arg490Cys; replaces arginine 490 with cysteine.
Molecular consequence: missense variant.
Genome position (GRCh38, 1-based): chr19:40,692,202, G>A on the plus strand (C>T on the coding strand, the complement: COQ8B is on the minus strand). VCF-style: chr19-40692202-G-A. GRCh37 (hg19) VCF-style: chr19-41198107-G-A.
Other names: c.1345C>T, p.Arg449Cys (NM_001142555.3); short protein forms R449C, R490C.
Identifiers: ClinVar variation 2681740 (VCV002681740.9), dbSNP rs750037594, ClinGen allele CA9449992.
Genomic context (GRCh38, chr19:40,692,202, plus strand): 5'-CCCTGCAGGCGATGTGGGCTCGGAGGTGGGCACAGGCCAGGAAAGCCCCTGCCAGCTTGC[G>A]GTGCAGGGCATAGGTCTCCTCGGGTGGGGGACACAGCCGGTGCCGCAGCAGCACCGGGAT-3'
Protein context (NP_079152.3, residues 480-500): PPPEETYALH[Arg490Cys]KLAGAFLACA

ClinVar aggregate classification (germline): Conflicting classifications of pathogenicity. Review status: criteria provided, conflicting classifications (1 of 4 stars). 5 submissions from 5 submitters: Pathogenic (3); Likely pathogenic (1); Uncertain significance (1). Last evaluated 2025-01-03.

Conditions:
Nephrotic syndrome, type 9 (NPHS9). Identifiers: Orphanet 656, MedGen C3809965, MONDO:0014257, OMIM 615573.
Mitochondrial disease. Also called: Mitochondrial disorders; Mitochondrial disorder. Identifiers: Orphanet 68380, MedGen C0751651, MeSH D028361, MONDO:0044970.

Allele frequency attached by ClinVar (database versions not stated): gnomAD exomes 0.00002; ExAC 0.00003; gnomAD 0.00003; TOPMed 0.00005.
gnomAD v4.1: 30 of 1,600,694 alleles (0.0019%); highest among the groups gnomAD compares: Admixed American, 0.0069%; no homozygotes.

Submissions (5):

3billion
Classification: Pathogenic for Nephrotic syndrome, type 9. Last evaluated: 2025-01-03. Review status: criteria provided, single submitter. Criteria: ACMG Guidelines, 2015. Collection method: clinical testing. Allele origin: germline. Affected: yes.
Comment: The variant is observed at an extremely low frequency in the gnomAD v4.1.0 dataset (total allele frequency: 0.002%). Predicted Consequence/Location: Missense variant In silico tool predictions suggest damaging effect of the variant on gene or gene product [REVEL: 0.87 (>=0.6, sensitivity 0.68 and specificity 0.92); 3Cnet: 0.92 (>=0.6, sensitivity 0.72 and precision 0.9)]. The same nucleotide change resulting in the same amino acid change has been previously reported as pathogenic/likely pathogenic with strong evidence (ClinVar ID: VCV002681740 /PMID: 28204945, 31328266 /3billion dataset). The variant has been reported to be in trans with a pathogenic variant as either compound heterozygous or homozygous in at least 2 similarly affected unrelated individuals (PMID: 31328266). Therefore, this variant is classified as Pathogenic according to the recommendation of ACMG/AMP guideline.

Labcorp Genetics (formerly Invitae), Labcorp
Classification: Pathogenic. Last evaluated: 2024-04-10. Review status: criteria provided, single submitter. Criteria: Invitae Variant Classification Sherloc (09022015). Collection method: clinical testing. Allele origin: germline.
Comment: This sequence change replaces arginine, which is basic and polar, with cysteine, which is neutral and slightly polar, at codon 490 of the COQ8B protein (p.Arg490Cys). This variant is present in population databases (rs750037594, gnomAD 0.02%). This missense change has been observed in individual(s) with steroid-resistant nephrotic syndrome (PMID: 28204945, 31328266, 31937884). In at least one individual the data is consistent with being in trans (on the opposite chromosome) from a pathogenic variant. Advanced modeling of protein sequence and biophysical properties (such as structural, functional, and spatial information, amino acid conservation, physicochemical variation, residue mobility, and thermodynamic stability) performed at Invitae indicates that this missense variant is expected to disrupt COQ8B protein function with a positive predictive value of 80%. For these reasons, this variant has been classified as Pathogenic.

Precision Medicine Center, Zhengzhou University
Classification: Pathogenic for Nephrotic syndrome, type 9. Last evaluated: 2023-12-01. Review status: criteria provided, single submitter. Criteria: ACMG Guidelines, 2015. Collection method: clinical testing. Allele origin: maternal. Affected: yes.
Comment: PM2_p,PM3_verystrong,PP1,PP3

Department of Pathology and Laboratory Medicine, Sinai Health System
Classification: Uncertain significance for mitochondrial disease. Last evaluated: 2023-09-27. Review status: criteria provided, single submitter. Criteria: ACMG Guidelines, 2015. Collection method: research. Allele origin: germline.

Juno Genomics, Hangzhou Juno Genomics, Inc
Classification: Likely pathogenic for Nephrotic syndrome, type 9. Review status: criteria provided, single submitter. Criteria: ACMG Guidelines, 2015. Collection method: clinical testing. Allele origin: germline.
Comment: Absent from controls (or at extremely low frequency if recessive) in Genome Aggregation Database.;Multiple lines of computational evidence support a deleterious effect on the gene or gene product.;For recessive disorders, detected in trans with a pathogenic variant.;Patient's phenotype or family history is highly specific for a disease with a single genetic etiology.

Literature cited by the submitters: PubMed 31328266 (cited by 3billion and Labcorp Genetics (formerly Invitae), Labcorp); PubMed 28204945 (cited by 3 submitters); PubMed 31937884 (cited by Labcorp Genetics (formerly Invitae), Labcorp).